The following is an entry in ClinVar:

ClinVar aggregate classification (germline): Conflicting classifications of pathogenicity. Review status: criteria provided, conflicting classifications (1 of 4 stars). 4 submissions from 4 submitters: Uncertain significance (3); Likely benign (1). Last evaluated 2026-01-21.

Conditions:
Inborn genetic diseases. Identifiers: MedGen C0950123, MeSH D030342.
Autosomal recessive nonsyndromic hearing loss 3. Also called: NEUROSENSORY NONSYNDROMIC RECESSIVE DEAFNESS 3. Identifiers: Orphanet 90636, MedGen C1838263, MONDO:0010860, OMIM 600316.

Allele frequency attached by ClinVar (database versions not stated): gnomAD exomes 0.00005; ExAC 0.00007; TOPMed 0.00024; gnomAD 0.00028 and 0.00032.
gnomAD v4.1: 71 of 1,614,182 alleles (0.0044%); highest among the groups gnomAD compares: African/African-American, 0.084%; no homozygotes.

Submissions (4):

Labcorp Genetics (formerly Invitae), Labcorp
Classification: Likely benign. Last evaluated: 2026-01-21. Review status: criteria provided, single submitter. Criteria: Invitae Variant Classification Sherloc (09022015). Collection method: clinical testing. Allele origin: germline.

Wonkam Laboratory, Johns Hopkins University
Classification: Uncertain significance for Autosomal recessive nonsyndromic hearing loss 3. Last evaluated: 2024-01-06. Review status: criteria provided, single submitter. Criteria: ACMG Guidelines, 2015. Collection method: research. Allele origin: germline. Inheritance: Autosomal recessive inheritance. Affected: yes. Observed: 2 variant alleles.
Comment: This variant MYO15A c.9160C>G (NM_016239.3) is located in a mutational hot spot and/or critical and well-established functional domain (e.g., active site of an enzyme) without benign variation (PM1), Absent from controls (or at extremely low frequency if recessive) in Exome Sequencing Project, 1000 Genomes Project, or Exome Aggregation Consortium (PM2), Multiple lines of computational evidence support a deleterious effect on the gene or gene product (conservation, evolutionary, splicing impact, etc.) (PP3).

Ambry Genetics
Classification: Uncertain significance for Inborn genetic diseases. Last evaluated: 2021-07-09. Review status: criteria provided, single submitter. Criteria: Ambry Variant Classification Scheme 2023. Collection method: clinical testing. Allele origin: germline.

Laboratory for Molecular Medicine, Mass General Brigham Personalized Medicine
Classification: Uncertain significance. Last evaluated: 2018-07-27. Review status: criteria provided, single submitter. Criteria: LMM Criteria. Collection method: clinical testing. Allele origin: germline. Observed: 2 variant alleles.
Comment: It has been identified in 24/24004 African chromosome s by the Genome Aggregation Database (gnomAD; dbSNP rs368760461). Computational prediction tools and conservation analysis sug gest that the p.Pro3054Ala variant may impact the protein, though this informati on is not predictive enough to determine pathogenicity. In summary, the clinical significance of the p.Pro3054Ala variant is uncertain. ACMG/AMP Criteria applie d: PP3, PM2_Supporting.

NM_016239.4(MYO15A):c.9160C>G (p.Pro3054Ala)

Gene: MYO15A (myosin XVA; plus strand). Cytogenetic location: 17p11.2.
Variant type: single nucleotide variant.
Coding change: c.9160C>G on transcript NM_016239.4 (MANE Select); coding-DNA position 9160, C replaced by G.
Protein change: p.Pro3054Ala; replaces proline 3054 with alanine.
Molecular consequence: missense variant.
Genome position (GRCh38, 1-based): chr17:18,159,278, C>G. VCF-style: chr17-18159278-C-G. GRCh37 (hg19) VCF-style: chr17-18062592-C-G.
Other names: short protein forms P3054A.
Identifiers: ClinVar variation 504634 (VCV000504634.10), dbSNP rs368760461, ClinGen allele CA8425412.
Genomic context (GRCh38, chr17:18,159,278, plus strand): 5'-CCCTTTCTGTTCTGACGTGTCCCTCCTCCATCATGACACAGCCCTCTTCCCCCACAGACT[C>G]CCCTCCAGGAATCCCTCATCGAACTCAGCGACAGCAGCCTCAGCAAGATGGCCACCGACA-3'
Protein context (NP_057323.3, residues 3044-3064): LEDMLCFTKT[Pro3054Ala]LQESLIELSD